The following is an entry in ClinVar:

NM_004385.5(VCAN):c.2537T>G (p.Phe846Cys)

Gene: VCAN (versican; plus strand). Cytogenetic location: 5q14.3.
Variant type: single nucleotide variant.
Coding change: c.2537T>G on transcript NM_004385.5 (MANE Select); coding-DNA position 2537, T replaced by G.
Protein change: p.Phe846Cys; replaces phenylalanine 846 with cysteine.
Molecular consequence: missense variant. On other transcripts: intron variant (2).
Genome position (GRCh38, 1-based): chr5:83,520,843, T>G. VCF-style: chr5-83520843-T-G. GRCh37 (hg19) VCF-style: chr5-82816662-T-G.
Other names: c.2537T>G, p.Phe846Cys (NM_001164098.2); c.1042+8447T>G (NM_001164097.2, NM_001126336.3); short protein forms F846C.
Identifiers: ClinVar variation 2091544 (VCV002091544.4), dbSNP rs2479052960, ClinGen allele CA360304143.

ClinVar aggregate classification (germline): Uncertain significance (1 of 4 stars; one submission).

Submission:

Labcorp Genetics (formerly Invitae), Labcorp
Classification: Uncertain significance. Last evaluated: 2022-02-01. Review status: criteria provided, single submitter. Criteria: Invitae Variant Classification Sherloc (09022015). Collection method: clinical testing. Allele origin: germline.
Comment: In summary, the available evidence is currently insufficient to determine the role of this variant in disease. Therefore, it has been classified as a Variant of Uncertain Significance. Algorithms developed to predict the effect of missense changes on protein structure and function (SIFT, PolyPhen-2, Align-GVGD) all suggest that this variant is likely to be disruptive. This variant has not been reported in the literature in individuals affected with VCAN-related conditions. This variant is not present in population databases (gnomAD no frequency). This sequence change replaces phenylalanine, which is neutral and non-polar, with cysteine, which is neutral and slightly polar, at codon 846 of the VCAN protein (p.Phe846Cys).